The following is an entry in ClinVar:

ClinVar aggregate classification (germline): Likely benign. Review status: criteria provided, single submitter (1 of 4 stars). 2 submissions from 2 submitters: Likely benign (1). 1 of the submissions does not count toward it. Last evaluated 2024-12-21.

Conditions:
TET2-related disorder. Also called: TET2-related condition.

Allele frequency attached by ClinVar (database versions not stated): gnomAD 0.00003; TOPMed 0.00005.
gnomAD v4.1: 33 of 1,551,380 alleles (0.0021%); highest among the groups gnomAD compares: Middle Eastern, 0.017%; no homozygotes.

Submissions (2):

Labcorp Genetics (formerly Invitae), Labcorp
Classification: Likely benign. Last evaluated: 2024-12-21. Review status: criteria provided, single submitter. Criteria: Invitae Variant Classification Sherloc (09022015). Collection method: clinical testing. Allele origin: germline.

PreventionGenetics, part of Exact Sciences
Classification: Likely benign for TET2-related condition. Last evaluated: 2021-10-21. Review status: no assertion criteria provided. Collection method: clinical testing. Allele origin: germline. Not counted in ClinVar's aggregate classification.
Comment: This variant is classified as likely benign based on ACMG/AMP sequence variant interpretation guidelines (Richards et al. 2015 PMID: 25741868, with internal and published modifications).

NM_001127208.3(TET2):c.3771G>A (p.Thr1257=)

Genes: TET2 (tet methylcytosine dioxygenase 2; plus strand), TET2-AS1 (TET2 antisense RNA 1; minus strand). Cytogenetic location: 4q24.
Variant type: single nucleotide variant.
Coding change: c.3771G>A on transcript NM_001127208.3 (MANE Select); coding-DNA position 3771, G replaced by A.
Protein change: p.Thr1257=; no amino-acid change (threonine 1257 retained).
Molecular consequence: synonymous variant.
Genome position (GRCh38, 1-based): chr4:105,243,746, G>A. VCF-style: chr4-105243746-G-A. GRCh37 (hg19) VCF-style: chr4-106164903-G-A.
Identifiers: ClinVar variation 1911580 (VCV001911580.7), dbSNP rs778466455, ClinGen allele CA102760802.